The following is an entry in ClinVar:

ClinVar aggregate classification (germline): Uncertain significance (1 of 4 stars; one submission).

Conditions:
Fanconi anemia (FA). Also called: Fanconi's anemia. Identifiers: Orphanet 84, MedGen C0015625, MeSH D005199, MONDO:0019391.

gnomAD v4.1: 4 of 1,613,944 alleles (0.00025%); highest among the groups gnomAD compares: East Asian, 0.0045%; no homozygotes.

Submission:

Labcorp Genetics (formerly Invitae), Labcorp
Classification: Uncertain significance for Fanconi anemia. Last evaluated: 2024-10-26. Review status: criteria provided, single submitter. Criteria: Invitae Variant Classification Sherloc (09022015). Collection method: clinical testing. Allele origin: germline.
Comment: This sequence change replaces histidine, which is basic and polar, with proline, which is neutral and non-polar, at codon 568 of the FANCI protein (p.His568Pro). This variant is present in population databases (rs555480773, gnomAD 0.02%). This variant has not been reported in the literature in individuals affected with FANCI-related conditions. ClinVar contains an entry for this variant (Variation ID: 961283). Invitae Evidence Modeling of protein sequence and biophysical properties (such as structural, functional, and spatial information, amino acid conservation, physicochemical variation, residue mobility, and thermodynamic stability) indicates that this missense variant is not expected to disrupt FANCI protein function with a negative predictive value of 80%. In summary, the available evidence is currently insufficient to determine the role of this variant in disease. Therefore, it has been classified as a Variant of Uncertain Significance.

NM_001113378.2(FANCI):c.1703A>C (p.His568Pro)

Gene: FANCI (FA complementation group I; plus strand). Cytogenetic location: 15q26.1.
Variant type: single nucleotide variant.
Coding change: c.1703A>C on transcript NM_001113378.2 (MANE Select); coding-DNA position 1703, A replaced by C.
Protein change: p.His568Pro; replaces histidine 568 with proline.
Molecular consequence: missense variant.
Genome position (GRCh38, 1-based): chr15:89,285,100, A>C. VCF-style: chr15-89285100-A-C. GRCh37 (hg19) VCF-style: chr15-89828331-A-C.
Other names: c.1424A>C, p.His475Pro (NM_001376910.1); c.1703A>C, p.His568Pro (NM_001376911.1, NM_018193.3); short protein forms H475P, H568P.
Identifiers: ClinVar variation 961283 (VCV000961283.9), dbSNP rs555480773, ClinGen allele CA7723131.